The following is an entry in ClinVar:

ClinVar aggregate classification (germline): Uncertain significance (1 of 4 stars; one submission).

Allele frequency attached by ClinVar (database versions not stated): gnomAD 0.00001.
gnomAD v4.1: 18 of 1,611,542 alleles (0.0011%); highest among the groups gnomAD compares: Middle Eastern, 0.016%; no homozygotes.

Submission:

Labcorp Genetics (formerly Invitae), Labcorp
Classification: Uncertain significance. Last evaluated: 2022-11-25. Review status: criteria provided, single submitter. Criteria: Invitae Variant Classification Sherloc (09022015). Collection method: clinical testing. Allele origin: germline.
Comment: This sequence change replaces glutamic acid, which is acidic and polar, with lysine, which is basic and polar, at codon 432 of the LAMA5 protein (p.Glu432Lys). The frequency data for this variant in the population databases is considered unreliable, as metrics indicate poor data quality at this position in the gnomAD database. This variant has not been reported in the literature in individuals affected with LAMA5-related conditions. Algorithms developed to predict the effect of missense changes on protein structure and function are either unavailable or do not agree on the potential impact of this missense change (SIFT: "Tolerated"; PolyPhen-2: "Possibly Damaging"; Align-GVGD: "Class C0"). In summary, the available evidence is currently insufficient to determine the role of this variant in disease. Therefore, it has been classified as a Variant of Uncertain Significance.

NM_005560.6(LAMA5):c.1294G>A (p.Glu432Lys)

Gene: LAMA5 (laminin subunit alpha 5; minus strand). Cytogenetic location: 20q13.33.
Variant type: single nucleotide variant.
Coding change: c.1294G>A on transcript NM_005560.6 (MANE Select); coding-DNA position 1294, G replaced by A.
Protein change: p.Glu432Lys; replaces glutamic acid 432 with lysine.
Molecular consequence: missense variant.
Genome position (GRCh38, 1-based): chr20:62,346,204, C>T on the plus strand (G>A on the coding strand, the complement: LAMA5 is on the minus strand). VCF-style: chr20-62346204-C-T. GRCh37 (hg19) VCF-style: chr20-60921260-C-T.
Other names: short protein forms E432K.
Identifiers: ClinVar variation 2775828 (VCV002775828.3), dbSNP rs1240568062, ClinGen allele CA409573401.